The following is an entry in ClinVar:

ClinVar aggregate classification (germline): Uncertain significance (1 of 4 stars; one submission).

Submission:

GeneDx
Classification: Uncertain significance. Last evaluated: 2026-04-16. Review status: criteria provided, single submitter. Criteria: GeneDx Variant Classification Process June 2021. Collection method: clinical testing. Allele origin: germline.
Comment: Not observed at significant frequency in large population cohorts (gnomAD); In-frame duplication of 6 amino acid(s) in a non-repeat region; Has not been previously published as pathogenic or benign to our knowledge

NM_016148.5(SHANK1):c.2999_3016dup (p.His1005_His1006insProProHisHisHisHis)

Gene: SHANK1 (SH3 and multiple ankyrin repeat domains 1; minus strand). Cytogenetic location: 19q13.33.
Variant type: Duplication.
Coding change: c.2999_3016dup on transcript NM_016148.5 (MANE Select); coding-DNA positions 2999 to 3016, 18 bases duplicated (CGCCCCACCACCACCACC).
Protein change: p.His1005_His1006insProProHisHisHisHis.
Molecular consequence: inframe insertion.
Genome position (GRCh38, 1-based): chr19:50,668,944-50,668,961, GGTGGTGGTGGTGGGGCG duplicated on the plus strand (CGCCCCACCACCACCACC on the coding strand, the reverse complement: SHANK1 is on the minus strand); duplicating any 18 consecutive bases within chr19:50,668,944-50,668,972 gives the same sequence; the c. name uses the placement nearest the transcript's 3' end. VCF-style (leftmost placement, unchanged base first): chr19-50668943-T-TGGTGGTGGTGGTGGGGCG. GRCh37 (hg19) VCF-style: chr19-51172200-T-TGGTGGTGGTGGTGGGGCG.
Identifiers: ClinVar variation 3368086 (VCV003368086.2).